The following is an entry in ClinVar:

ClinVar aggregate classification (germline): Uncertain significance (1 of 4 stars; one submission).

Allele frequency attached by ClinVar (database versions not stated): ExAC 0.00002.
gnomAD v4.1: 26 of 1,614,282 alleles (0.0016%); highest among the groups gnomAD compares: Non-Finnish European, 0.0022%; no homozygotes.

Submission:

Labcorp Genetics (formerly Invitae), Labcorp
Classification: Uncertain significance. Last evaluated: 2022-12-17. Review status: criteria provided, single submitter. Criteria: Invitae Variant Classification Sherloc (09022015). Collection method: clinical testing. Allele origin: germline.
Comment: In summary, the available evidence is currently insufficient to determine the role of this variant in disease. Therefore, it has been classified as a Variant of Uncertain Significance. Algorithms developed to predict the effect of missense changes on protein structure and function output the following: SIFT: "Not Available"; PolyPhen-2: "Benign"; Align-GVGD: "Not Available". The alanine amino acid residue is found in multiple mammalian species, which suggests that this missense change does not adversely affect protein function. This variant has not been reported in the literature in individuals affected with CEP250-related conditions. This variant is present in population databases (rs753620697, gnomAD 0.002%). This sequence change replaces glycine, which is neutral and non-polar, with alanine, which is neutral and non-polar, at codon 1442 of the CEP250 protein (p.Gly1442Ala).

NM_007186.6(CEP250):c.4325G>C (p.Gly1442Ala)

Gene: CEP250 (centrosomal protein 250; plus strand). Cytogenetic location: 20q11.22.
Variant type: single nucleotide variant.
Coding change: c.4325G>C on transcript NM_007186.6 (MANE Select); coding-DNA position 4325, G replaced by C.
Protein change: p.Gly1442Ala; replaces glycine 1442 with alanine.
Molecular consequence: missense variant.
Genome position (GRCh38, 1-based): chr20:35,502,694, G>C. VCF-style: chr20-35502694-G-C. GRCh37 (hg19) VCF-style: chr20-34090522-G-C.
Other names: c.2429G>C, p.Gly810Ala (NM_001318219.1); short protein forms G1442A, G810A.
Identifiers: ClinVar variation 2821780 (VCV002821780.3), dbSNP rs753620697, ClinGen allele CA9833702.